The following is an entry in ClinVar:

ClinVar aggregate classification (germline): Conflicting classifications of pathogenicity. Review status: criteria provided, conflicting classifications (1 of 4 stars). 9 submissions from 9 submitters: Uncertain significance (6); Likely benign (2). 1 of the submissions does not count toward it. Last evaluated 2025-08-18.

Conditions:
Breast and/or ovarian cancer. Identifiers: MedGen CN221562.
Hereditary cancer-predisposing syndrome. Also called: Tumor predisposition; Hereditary Cancer Syndrome; Hereditary neoplastic syndrome; Neoplastic Syndromes, Hereditary. Identifiers: Orphanet 140162, MedGen C0027672, MeSH D009386, MONDO:0015356.
Hereditary breast ovarian cancer syndrome. Also called: Breast and ovarian cancer; Hereditary breast and ovarian cancer syndrome; Hereditary breast and ovarian cancer; BRCA1- and BRCA2-Associated Hereditary Breast and Ovarian Cancer; Hereditary breast and ovarian cancer syndrome (HBOC); Hereditary breast and/or ovarian cancer syndrome. Identifiers: Orphanet 145, MedGen C0677776, MeSH D061325, MONDO:0003582. Disease mechanism: loss of function.
Breast-ovarian cancer, familial, susceptibility to, 2 (BROVCA2). Also called: BRCA2 Hereditary Breast and Ovarian Cancer. Identifiers: Orphanet 145, MedGen C2675520, MONDO:0012933, OMIM 612555. Disease mechanism: loss of function.

Allele frequency attached by ClinVar (database versions not stated): gnomAD exomes below 0.00001; TOPMed below 0.00001.
gnomAD v4.1: 1 of 1,604,430 alleles (0.000062%); highest among the groups gnomAD compares: Non-Finnish European, 0.000085%; no homozygotes.

Submissions (9):

Labcorp Genetics (formerly Invitae), Labcorp
Classification: Uncertain significance for Hereditary breast ovarian cancer syndrome. Last evaluated: 2025-08-18. Review status: criteria provided, single submitter. Criteria: Invitae Variant Classification Sherloc (09022015). Collection method: clinical testing. Allele origin: germline.
Comment: This sequence change replaces alanine, which is neutral and non-polar, with threonine, which is neutral and polar, at codon 1648 of the BRCA2 protein (p.Ala1648Thr). This variant is not present in population databases (gnomAD no frequency). This missense change has been observed in individual(s) with colorectal cancer (PMID: 28135145). This variant is also known as 5170G>A. ClinVar contains an entry for this variant (Variation ID: 185525). Invitae Evidence Modeling of protein sequence and biophysical properties (such as structural, functional, and spatial information, amino acid conservation, physicochemical variation, residue mobility, and thermodynamic stability) indicates that this missense variant is not expected to disrupt BRCA2 protein function with a negative predictive value of 95%. In summary, the available evidence is currently insufficient to determine the role of this variant in disease. Therefore, it has been classified as a Variant of Uncertain Significance.

Quest Diagnostics Nichols Institute San Juan Capistrano
Classification: Uncertain significance. Last evaluated: 2025-01-14. Review status: criteria provided, single submitter. Criteria: Quest Diagnostics criteria. Collection method: clinical testing. Allele origin: unknown.
Comment: The BRCA2 c.4942G>A (p.Ala1648Thr) variant has been reported in the published literature in individuals with breast cancer (PMID: 38709234 (2024)), colorectal cancer (PMID: 28135145 (2017)), and two individuals with a personal or family history of an unspecified cancer (PMID: 31853058 (2020)). This variant is described to be located in a region of the BRCA2 gene that is tolerant to missense sequence changes (PMID: 31911673 (2020)). This variant has not been reported in large, multi-ethnic general populations (Genome Aggregation Database). Analysis of this variant using bioinformatics tools for the prediction of the effect of amino acid changes on protein structure and function yielded predictions that this variant is benign. Based on the available information, we are unable to determine the clinical significance of this variant.

Ambry Genetics
Classification: Likely benign for Hereditary cancer-predisposing syndrome. Last evaluated: 2023-11-29. Review status: criteria provided, single submitter. Criteria: Ambry Variant Classification Scheme 2023. Collection method: clinical testing. Allele origin: germline.

All of Us Research Program, National Institutes of Health
Classification: Uncertain significance for Breast-ovarian cancer, familial, susceptibility to, 2. Last evaluated: 2023-10-02. Review status: criteria provided, single submitter. Criteria: ACMG Guidelines, 2015. Collection method: clinical testing. Allele origin: germline. Inheritance: Autosomal dominant inheritance. Observed: 1 variant allele, 1 heterozygote.
Comment: This missense variant replaces alanine with threonine at codon 1648 of the BRCA2 protein. This variant is also known as 5170G>A in the literature. Computational prediction suggests that this variant may not impact protein structure and function (internally defined REVEL score threshold <= 0.5, PMID: 27666373). To our knowledge, functional studies have not been reported for this variant. This variant has been reported in an individual affected with colorectal cancer (PMID: 28135145). This variant has not been identified in the general population by the Genome Aggregation Database (gnomAD). The available evidence is insufficient to determine the role of this variant in disease conclusively. Therefore, this variant is classified as a Variant of Uncertain Significance.

This study involves interpretation of variants in research participants for the purpose of population health screening. Participant phenotype was not available at the time of variant classification. Additional details can be found in publication PMID: 35346344, PMCID: PMC8962531

Color Diagnostics, LLC DBA Color Health
Classification: Uncertain significance for Hereditary cancer-predisposing syndrome. Last evaluated: 2023-09-06. Review status: criteria provided, single submitter. Criteria: ACMG Guidelines, 2015. Collection method: clinical testing. Allele origin: germline.
Comment: This missense variant replaces alanine with threonine at codon 1648 of the BRCA2 protein. This variant is also known as 5170G>A in the literature. Computational prediction suggests that this variant may not impact protein structure and function (internally defined REVEL score threshold <= 0.5, PMID: 27666373). To our knowledge, functional studies have not been reported for this variant. This variant has been reported in an individual affected with colorectal cancer (PMID: 28135145). This variant has not been identified in the general population by the Genome Aggregation Database (gnomAD). The available evidence is insufficient to determine the role of this variant in disease conclusively. Therefore, this variant is classified as a Variant of Uncertain Significance.

University of Washington Department of Laboratory Medicine, University of Washington
Classification: Likely benign for Hereditary cancer-predisposing syndrome. Last evaluated: 2023-03-23. Review status: criteria provided, single submitter. Criteria: Dines et al. (Genet Med. 2020). Collection method: curation. Allele origin: germline.
Comment: Missense variant in a coldspot region where missense variants are very unlikely to be pathogenic (PMID:31911673).

BRCA2 exon 11 coldspot. Reclassification based on statistical prior probability.

GeneDx
Classification: Uncertain significance. Last evaluated: 2022-06-12. Review status: criteria provided, single submitter. Criteria: GeneDx Variant Classification Process June 2021. Collection method: clinical testing. Allele origin: germline. Affected: yes.
Comment: Not observed at significant frequency in large population cohorts (gnomAD); Observed in an individual with colorectal cancer (Yurgelun 2017); In silico analysis supports that this missense variant does not alter protein structure/function; Also known as 5170G>A; This variant is associated with the following publications: (PMID: 28135145)

CHEO Genetics Diagnostic Laboratory, Children's Hospital of Eastern Ontario
Classification: Uncertain significance for Breast and/or ovarian cancer. Last evaluated: 2017-02-07. Review status: criteria provided, single submitter. Criteria: ACMG Guidelines, 2015. Collection method: clinical testing. Allele origin: germline. Study: Canadian Open Genetics Repository.

Sharing Clinical Reports Project (SCRP)
Classification: Uncertain significance for Breast-ovarian cancer, familial 2. Last evaluated: 2008-03-13. Review status: no assertion criteria provided. Collection method: clinical testing. Allele origin: germline. Not counted in ClinVar's aggregate classification.

Literature cited by the submitters: PubMed 28135145 (cited by 5 submitters); PubMed 31853058 (cited by Quest Diagnostics Nichols Institute San Juan Capistrano); PubMed 31911673 (cited by Quest Diagnostics Nichols Institute San Juan Capistrano); PubMed 38709234 (cited by Quest Diagnostics Nichols Institute San Juan Capistrano).

NM_000059.4(BRCA2):c.4942G>A (p.Ala1648Thr)

Gene: BRCA2 (BRCA2 DNA repair associated; plus strand). Cytogenetic location: 13q13.1.
Variant type: single nucleotide variant.
Coding change: c.4942G>A on transcript NM_000059.4 (MANE Select); coding-DNA position 4942, G replaced by A.
Protein change: p.Ala1648Thr; replaces alanine 1648 with threonine.
Molecular consequence: missense variant.
Genome position (GRCh38, 1-based): chr13:32,339,297, G>A. VCF-style: chr13-32339297-G-A. GRCh37 (hg19) VCF-style: chr13-32913434-G-A.
Other names: 5170G>A; short protein forms A1648T.
Identifiers: ClinVar variation 185525 (VCV000185525.23), dbSNP rs786202248, ClinGen allele CA021048.
Genomic context (GRCh38, chr13:32,339,297, plus strand): 5'-AAAACATCAAAAAGTATCTTTTTGAAAGTTAAAGTACATGAAAATGTAGAAAAAGAAACA[G>A]CAAAAAGTCCTGCAACTTGTTACACAAATCAGTCCCCTTATTCAGTCATTGAAAATTCAG-3'
Protein context (NP_000050.3, residues 1638-1658): KVHENVEKET[Ala1648Thr]KSPATCYTNQ